The following is an entry in ClinVar:

NM_020937.4(FANCM):c.1786C>T (p.Arg596Cys)

Gene: FANCM (FA complementation group M; plus strand). Cytogenetic location: 14q21.2.
Variant type: single nucleotide variant.
Coding change: c.1786C>T on transcript NM_020937.4 (MANE Select); coding-DNA position 1786, C replaced by T.
Protein change: p.Arg596Cys; replaces arginine 596 with cysteine.
Molecular consequence: missense variant.
Genome position (GRCh38, 1-based): chr14:45,164,563, C>T. VCF-style: chr14-45164563-C-T. GRCh37 (hg19) VCF-style: chr14-45633766-C-T.
Other names: c.1708C>T, p.Arg570Cys (NM_001308133.2); c.1786C>T, p.Arg596Cys (NM_001308134.2); short protein forms R570C, R596C.
Identifiers: ClinVar variation 650456 (VCV000650456.11), dbSNP rs765671208, ClinGen allele CA7169148.
Genomic context (GRCh38, chr14:45,164,563, plus strand): 5'-AGAACTGGCCGTAAACGTCAAGGCAGGATAGTTATTATCCTTTCTGAAGGACGAGAGGAA[C>T]GTGTAAGTAGAGCTGCAGAAACACAATTTGACACTTGAAATTTGAGAAATACAGCCCAAA-3'
Protein context (NP_065988.1, residues 586-606): VIILSEGREE[Arg596Cys]IYNQSQSNKR

ClinVar aggregate classification (germline): Uncertain significance. Review status: criteria provided, multiple submitters, no conflicts (2 of 4 stars). 3 submissions from 3 submitters: Uncertain significance (3). Last evaluated 2025-03-02.

Conditions:
Inborn genetic diseases. Identifiers: MedGen C0950123, MeSH D030342.
Fanconi anemia (FA). Also called: Fanconi's anemia. Identifiers: Orphanet 84, MedGen C0015625, MeSH D005199, MONDO:0019391.

Allele frequency attached by ClinVar (database versions not stated): gnomAD exomes 0.00002 and 0.00001; gnomAD 0.00001; TOPMed 0.00001; ExAC 0.00002.

Submissions (3):

Ambry Genetics
Classification: Uncertain significance for Inborn genetic diseases. Last evaluated: 2025-03-02. Review status: criteria provided, single submitter. Criteria: Ambry Variant Classification Scheme 2023. Collection method: clinical testing. Allele origin: germline.
Comment: The p.R596C variant (also known as c.1786C>T), located in coding exon 10 of the FANCM gene, results from a C to T substitution at nucleotide position 1786. The arginine at codon 596 is replaced by cysteine, an amino acid with highly dissimilar properties. This amino acid position is conserved. In addition, the in silico prediction for this alteration is inconclusive. Based on the available evidence, the clinical significance of this variant remains unclear.

Labcorp Genetics (formerly Invitae), Labcorp
Classification: Uncertain significance for Fanconi anemia. Last evaluated: 2024-07-22. Review status: criteria provided, single submitter. Criteria: Invitae Variant Classification Sherloc (09022015). Collection method: clinical testing. Allele origin: germline.
Comment: This sequence change replaces arginine, which is basic and polar, with cysteine, which is neutral and slightly polar, at codon 596 of the FANCM protein (p.Arg596Cys). This variant is present in population databases (rs765671208, gnomAD 0.01%). This variant has not been reported in the literature in individuals affected with FANCM-related conditions. ClinVar contains an entry for this variant (Variation ID: 650456). An algorithm developed to predict the effect of missense changes on protein structure and function outputs the following: PolyPhen-2: "Benign". The cysteine amino acid residue is found in multiple mammalian species, which suggests that this missense change does not adversely affect protein function. In summary, the available evidence is currently insufficient to determine the role of this variant in disease. Therefore, it has been classified as a Variant of Uncertain Significance.

GeneDx
Classification: Uncertain significance. Last evaluated: 2024-05-29. Review status: criteria provided, single submitter. Criteria: GeneDx Variant Classification Process June 2021. Collection method: clinical testing. Allele origin: germline. Affected: yes.
Comment: Not observed at significant frequency in large population cohorts (gnomAD); In silico analysis supports that this missense variant has a deleterious effect on protein structure/function; Has not been previously published as pathogenic or benign to our knowledge